The following is an entry in ClinVar:

NM_002772.3(TMPRSS15):c.986C>A (p.Ala329Glu)

Gene: TMPRSS15 (transmembrane serine protease 15; minus strand). Cytogenetic location: 21q21.1.
Variant type: single nucleotide variant.
Coding change: c.986C>A on transcript NM_002772.3 (MANE Select); coding-DNA position 986, C replaced by A.
Protein change: p.Ala329Glu; replaces alanine 329 with glutamic acid.
Molecular consequence: missense variant.
Genome position (GRCh38, 1-based): chr21:18,353,758, G>T on the plus strand (C>A on the coding strand, the complement: TMPRSS15 is on the minus strand). VCF-style: chr21-18353758-G-T. GRCh37 (hg19) VCF-style: chr21-19726075-G-T.
Other names: short protein forms A329E.
Identifiers: ClinVar variation 2122059 (VCV002122059.4), dbSNP rs2075596324, ClinGen allele CA409851642.

ClinVar aggregate classification (germline): Uncertain significance (1 of 4 stars; one submission).

Submission:

Labcorp Genetics (formerly Invitae), Labcorp
Classification: Uncertain significance. Last evaluated: 2023-12-06. Review status: criteria provided, single submitter. Criteria: Invitae Variant Classification Sherloc (09022015). Collection method: clinical testing. Allele origin: germline.
Comment: This sequence change replaces alanine, which is neutral and non-polar, with glutamic acid, which is acidic and polar, at codon 329 of the TMPRSS15 protein (p.Ala329Glu). This variant is not present in population databases (gnomAD no frequency). This variant has not been reported in the literature in individuals affected with TMPRSS15-related conditions. ClinVar contains an entry for this variant (Variation ID: 2122059). An algorithm developed to predict the effect of missense changes on protein structure and function (PolyPhen-2) suggests that this variant is likely to be disruptive. In summary, the available evidence is currently insufficient to determine the role of this variant in disease. Therefore, it has been classified as a Variant of Uncertain Significance.